The following is an entry in ClinVar:

NM_000257.4(MYH7):c.3506C>T (p.Ala1169Val)

Gene: MYH7 (myosin heavy chain 7; minus strand). Cytogenetic location: 14q11.2.
Variant type: single nucleotide variant.
Coding change: c.3506C>T on transcript NM_000257.4 (MANE Select); coding-DNA position 3506, C replaced by T.
Protein change: p.Ala1169Val; replaces alanine 1169 with valine.
Molecular consequence: missense variant.
Genome position (GRCh38, 1-based): chr14:23,420,065, G>A on the plus strand (C>T on the coding strand, the complement: MYH7 is on the minus strand). VCF-style: chr14-23420065-G-A. GRCh37 (hg19) VCF-style: chr14-23889274-G-A.
Other names: short protein forms A1169V.
Identifiers: ClinVar variation 1315702 (VCV001315702.9), dbSNP rs1423656410, ClinGen allele CA389043658.

ClinVar aggregate classification (germline): Uncertain significance. Review status: criteria provided, multiple submitters, no conflicts (2 of 4 stars). 2 submissions from 2 submitters: Uncertain significance (2). Last evaluated 2024-07-21.

Conditions:
Hypertrophic cardiomyopathy. Also called: HYPERTROPHIC MYOCARDIOPATHY. Identifiers: Orphanet 217569, MedGen C0007194, MeSH D002312, MONDO:0005045, HP:0001639.

Allele frequency attached by ClinVar (database versions not stated): gnomAD exomes below 0.00001 and 0.00001.

Submissions (2):

Labcorp Genetics (formerly Invitae), Labcorp
Classification: Uncertain significance for Hypertrophic cardiomyopathy. Last evaluated: 2024-07-21. Review status: criteria provided, single submitter. Criteria: Invitae Variant Classification Sherloc (09022015). Collection method: clinical testing. Allele origin: germline.
Comment: This sequence change replaces alanine, which is neutral and non-polar, with valine, which is neutral and non-polar, at codon 1169 of the MYH7 protein (p.Ala1169Val). This variant is present in population databases (no rsID available, gnomAD 0.003%). This variant has not been reported in the literature in individuals affected with MYH7-related conditions. ClinVar contains an entry for this variant (Variation ID: 1315702). Advanced modeling of protein sequence and biophysical properties (such as structural, functional, and spatial information, amino acid conservation, physicochemical variation, residue mobility, and thermodynamic stability) has been performed at Invitae for this missense variant, however the output from this modeling did not meet the statistical confidence thresholds required to predict the impact of this variant on MYH7 protein function. In summary, the available evidence is currently insufficient to determine the role of this variant in disease. Therefore, it has been classified as a Variant of Uncertain Significance.

GeneDx
Classification: Uncertain significance. Last evaluated: 2019-04-19. Review status: criteria provided, single submitter. Criteria: GeneDx Variant Classification Process June 2021. Collection method: clinical testing. Allele origin: germline. Affected: yes.
Comment: Not observed at a significant frequency in large population cohorts (Lek et al., 2016); In silico analysis, which includes protein predictors and evolutionary conservation, supports a deleterious effect; Has not been previously published as pathogenic or benign to our knowledge